The following is an entry in ClinVar:

ClinVar aggregate classification (germline): Pathogenic/Likely pathogenic. Review status: criteria provided, multiple submitters, no conflicts (2 of 4 stars). 9 submissions from 9 submitters: Pathogenic (5); Likely pathogenic (3). 1 of the submissions does not count toward it. Last evaluated 2025-07-27.

Conditions:
Monosomy 7 myelodysplasia and leukemia syndrome 2. Identifiers: MedGen C5436668, MONDO:0030801, OMIM 619041.
Inborn genetic diseases. Identifiers: MedGen C0950123, MeSH D030342.
Normophosphatemic familial tumoral calcinosis. Also called: CALCINOSIS, TUMORAL, WITH NORMOPHOSPHATEMIA. Identifiers: Orphanet 306658, Orphanet 53715, MedGen C1864861, MONDO:0012502, OMIM 610455.
MIRAGE syndrome. Also called: MYELODYSPLASIA, INFECTION, RESTRICTION OF GROWTH, ADRENAL HYPOPLASIA, GENITAL PHENOTYPES, AND ENTEROPATHY. Identifiers: Orphanet 494433, MedGen C4284088, MONDO:0014888, OMIM 617053.
SAMD9-related disorder. Also called: SAMD9-related condition.

Allele frequency attached by ClinVar (database versions not stated): gnomAD exomes below 0.00001; gnomAD 0.00001; TOPMed 0.00001.

Submissions (9):

Labcorp Genetics (formerly Invitae), Labcorp
Classification: Pathogenic. Last evaluated: 2025-07-27. Review status: criteria provided, single submitter. Criteria: Invitae Variant Classification Sherloc (09022015). Collection method: clinical testing. Allele origin: germline.
Comment: This sequence change replaces arginine, which is basic and polar, with cysteine, which is neutral and slightly polar, at codon 982 of the SAMD9 protein (p.Arg982Cys). This variant is present in population databases (no rsID available, gnomAD 0.003%). This missense change has been observed in individual(s) with clinical features of MIRAGE syndrome (PMID: 28346228, 29506479). In at least one individual the variant was observed to be de novo. ClinVar contains an entry for this variant (Variation ID: 985307). Invitae Evidence Modeling of protein sequence and biophysical properties (such as structural, functional, and spatial information, amino acid conservation, physicochemical variation, residue mobility, and thermodynamic stability) indicates that this missense variant is not expected to disrupt SAMD9 protein function with a negative predictive value of 95%. Experimental studies have shown that this missense change affects SAMD9 function (PMID: 28346228). This variant disrupts the p.Arg982 amino acid residue in SAMD9. Other variant(s) that disrupt this residue have been determined to be pathogenic (PMID: 28346228, 31231135; internal data). This suggests that this residue is clinically significant, and that variants that disrupt this residue are likely to be disease-causing. For these reasons, this variant has been classified as Pathogenic.

Genomic Medicine Center of Excellence, King Faisal Specialist Hospital and Research Centre
Classification: Pathogenic for Monosomy 7 myelodysplasia and leukemia syndrome 2. Last evaluated: 2024-12-04. Review status: criteria provided, single submitter. Criteria: ACMG Guidelines, 2015. Collection method: clinical testing. Allele origin: germline.

3billion
Classification: Likely pathogenic for MIRAGE syndrome. Last evaluated: 2024-11-27. Review status: criteria provided, single submitter. Criteria: ACMG Guidelines, 2015. Collection method: clinical testing. Allele origin: germline. Affected: yes.
Comment: The variant is observed at an extremely low frequency in the gnomAD v4.1.0 dataset (total allele frequency: <0.001%). Predicted Consequence/Location: Missense variant In silico tool predictions suggest damaging effect of the variant on gene or gene product [3Cnet: 0.91 (>=0.6, sensitivity 0.72 and precision 0.9)]. The same nucleotide change resulting in the same amino acid change has been previously reported as pathogenic/likely pathogenic with strong evidence (ClinVar ID: VCV000985307 /PMID: 28346228 /3billion dataset). A different missense change at the same codon (p.Arg982His) has been reported as pathogenic/likely pathogenic with strong evidence (ClinVar ID: VCV000559913 /PMID: 28346228). Therefore, this variant is classified as Likely pathogenic according to the recommendation of ACMG/AMP guideline.

Fulgent Genetics
Classification: Pathogenic for Normophosphatemic familial tumoral calcinosis; MIRAGE syndrome; Monosomy 7 myelodysplasia and leukemia syndrome 2. Last evaluated: 2024-04-30. Review status: criteria provided, single submitter. Criteria: ACMG Guidelines, 2015. Collection method: clinical testing. Allele origin: germline.

PreventionGenetics, part of Exact Sciences
Classification: Pathogenic for SAMD9-related condition. Last evaluated: 2023-04-22. Review status: criteria provided, single submitter. Criteria: ACMG Guidelines, 2015. Collection method: clinical testing. Allele origin: germline.
Comment: The SAMD9 c.2944C>T variant is predicted to result in the amino acid substitution p.Arg982Cys. This variant has been reported as a recurrent de novo mutation in several individual with MIRAGE syndrome (see for example, Buonocore et al 2017. PubMed ID: 28346228; Kim YM et al 2018. PubMed ID: 29506479; Dai D et al 2021. PubMed ID: 34134972). This variant is reported in 0.0029% of alleles in individuals of Latino descent in gnomAD. Functional studies in mammalian cells in vitro indicated that this variant is deleterious, consistent with a gain-of-function mechanism (Buonocore et al 2017. PubMed ID: 28346228). A different missense substitution affecting the same amino acid (p.Arg982His) has also been reported to cause MIRAGE syndrome (see for example, Buonocore. 2017. PubMed ID: 28346228). Taken together, the c.2944C>T (p.Arg982Cy) variant is interpreted as pathogenic.

GeneDx
Classification: Pathogenic. Last evaluated: 2022-12-15. Review status: criteria provided, single submitter. Criteria: GeneDx Variant Classification Process June 2021. Collection method: clinical testing. Allele origin: germline. Affected: yes.
Comment: Published functional studies demonstrate a damaging effect: transfection of the R982C mutant protein in HEK293 cells has a gain-of-function effect (Buonocore et al., 2017); In silico analysis, which includes protein predictors and evolutionary conservation, supports a deleterious effect; Not observed at significant frequency in large population cohorts (gnomAD); This variant is associated with the following publications: (PMID: 34490615, 28135719, 28346228, 29535429, 29506479, 34134972, 31785789, 28545555)

HudsonAlpha Institute for Biotechnology
Classification: Likely pathogenic for MIRAGE syndrome. Last evaluated: 2021-07-15. Review status: criteria provided, single submitter. Criteria: ACMG Guidelines, 2015. Collection method: research. Allele origin: de novo. Affected: yes. Observed: 1 variant allele. Study: CSER-SouthSeq.
Comment: ACMG codes:PS2, PM1

Ambry Genetics
Classification: Likely pathogenic for Inborn genetic diseases. Last evaluated: 2016-10-25. Review status: criteria provided, single submitter. Criteria: Ambry exome assertion method (8-5-2015). Collection method: clinical testing. Allele origin: germline. Affected: yes. Observed: 1 variant allele.

GeneReviews
No classification provided. Condition: MIRAGE syndrome. Review status: no classification provided. Collection method: literature only. Allele origin: de novo. Not counted in ClinVar's aggregate classification.

Literature cited by the submitters: PubMed 28346228 (cited by 3 submitters); PubMed 29506479 (cited by Labcorp Genetics (formerly Invitae), Labcorp and GeneReviews); PubMed 31231135 (cited by Labcorp Genetics (formerly Invitae), Labcorp); PubMed 33237688 (cited by GeneReviews).

NM_017654.4(SAMD9):c.2944C>T (p.Arg982Cys)

Gene: SAMD9 (sterile alpha motif domain containing 9; minus strand). Cytogenetic location: 7q21.2.
Variant type: single nucleotide variant.
Coding change: c.2944C>T on transcript NM_017654.4 (MANE Select); coding-DNA position 2944, C replaced by T.
Protein change: p.Arg982Cys; replaces arginine 982 with cysteine.
Molecular consequence: missense variant.
Genome position (GRCh38, 1-based): chr7:93,103,154, G>A on the plus strand (C>T on the coding strand, the complement: SAMD9 is on the minus strand). VCF-style: chr7-93103154-G-A. GRCh37 (hg19) VCF-style: chr7-92732467-G-A.
Other names: c.2944C>T, p.Arg982Cys (NM_001193307.2); c.2944C>T (NM_001193307.1); short protein forms R982C.
Identifiers: ClinVar variation 985307 (VCV000985307.18), dbSNP rs1247438528, ClinGen allele CA368189193.
Genomic context (GRCh38, chr7:93,103,154, plus strand): 5'-GGTGATAGCTTTTCTTCAATTCTTCCAGTGAGAACTCTGCAATCAAAGAGTGAATGATGC[G>A]TACTCCACAGTAGTTCCCACATTCGATGACCTCTGTTTTTATCAGAATTGTAGAGTAGGT-3'
Protein context (NP_060124.2, residues 972-992): VIECGNYCGV[Arg982Cys]IIHSLIAEFS